The following is an entry in ClinVar:

NM_000432.4(MYL2):c.169+3A>T

Gene: MYL2 (myosin light chain 2; minus strand). Cytogenetic location: 12q24.11.
Variant type: single nucleotide variant.
Coding change: c.169+3A>T on transcript NM_000432.4 (MANE Select); 3 bases into the intron after coding-DNA position 169, A replaced by T.
Molecular consequence: intron variant.
Genome position (GRCh38, 1-based): chr12:110,915,712, T>A on the plus strand (A>T on the coding strand, the complement: MYL2 is on the minus strand). VCF-style: chr12-110915712-T-A. GRCh37 (hg19) VCF-style: chr12-111353516-T-A.
Identifiers: ClinVar variation 2011320 (VCV002011320.4), dbSNP rs2499811740, ClinGen allele CA2580085806.

ClinVar aggregate classification (germline): Uncertain significance (1 of 4 stars; one submission).

Conditions:
Hypertrophic cardiomyopathy 10. Also called: CARDIOMYOPATHY, HYPERTROPHIC, MID-LEFT VENTRICULAR CHAMBER TYPE, 2; MYL2-Related Familial Hypertrophic Cardiomyopathy. Identifiers: MedGen C1834460, MONDO:0012112, OMIM 608758.

Submission:

Labcorp Genetics (formerly Invitae), Labcorp
Classification: Uncertain significance for Hypertrophic cardiomyopathy 10. Last evaluated: 2022-06-27. Review status: criteria provided, single submitter. Criteria: Invitae Variant Classification Sherloc (09022015). Collection method: clinical testing. Allele origin: germline.
Comment: This sequence change falls in intron 3 of the MYL2 gene. It does not directly change the encoded amino acid sequence of the MYL2 protein. It affects a nucleotide within the consensus splice site. This variant is not present in population databases (gnomAD no frequency). This variant has not been reported in the literature in individuals affected with MYL2-related conditions. Variants that disrupt the consensus splice site are a relatively common cause of aberrant splicing (PMID: 17576681, 9536098). Algorithms developed to predict the effect of sequence changes on RNA splicing suggest that this variant may disrupt the consensus splice site. In summary, the available evidence is currently insufficient to determine the role of this variant in disease. Therefore, it has been classified as a Variant of Uncertain Significance.

Literature cited by the submitters: PubMed 17576681; PubMed 9536098.